The following is an entry in ClinVar:

NM_020163.3(SEMA3G):c.2326C>T (p.Pro776Ser)

Gene: SEMA3G (semaphorin 3G; minus strand). Cytogenetic location: 3p21.1.
Variant type: single nucleotide variant.
Coding change: c.2326C>T on transcript NM_020163.3 (MANE Select); coding-DNA position 2326, C replaced by T.
Protein change: p.Pro776Ser; replaces proline 776 with serine.
Molecular consequence: missense variant.
Genome position (GRCh38, 1-based): chr3:52,435,626, G>A on the plus strand (C>T on the coding strand, the complement: SEMA3G is on the minus strand). VCF-style: chr3-52435626-G-A. GRCh37 (hg19) VCF-style: chr3-52469642-G-A.
Other names: c.2326C>T (NM_020163.1); short protein forms P776S.
Identifiers: ClinVar variation 3049269 (VCV003049269.3), dbSNP rs1471490480, ClinGen allele CA353134163.

ClinVar aggregate classification (germline): Uncertain significance. Review status: criteria provided, single submitter (1 of 4 stars). 2 submissions from 2 submitters: Uncertain significance (1). 1 of the submissions does not count toward it. Last evaluated 2025-04-24.

Conditions:
SEMA3G-related disorder. Also called: SEMA3G-related condition.

Allele frequency attached by ClinVar (database versions not stated): gnomAD 0.00001; TOPMed below 0.00001.
gnomAD v4.1: 4 of 1,612,634 alleles (0.00025%); highest among the groups gnomAD compares: Non-Finnish European, 0.00034%; no homozygotes.

Submissions (2):

Ambry Genetics
Classification: Uncertain significance. Last evaluated: 2025-04-24. Review status: criteria provided, single submitter. Criteria: Ambry Variant Classification Scheme 2023. Collection method: clinical testing. Allele origin: germline.

PreventionGenetics, part of Exact Sciences
Classification: Uncertain significance for SEMA3G-related condition. Last evaluated: 2024-01-18. Review status: no assertion criteria provided. Collection method: clinical testing. Allele origin: germline. Not counted in ClinVar's aggregate classification.
Comment: The SEMA3G c.2326C>T variant is predicted to result in the amino acid substitution p.Pro776Ser. To our knowledge, this variant has not been reported in the literature. This variant is reported in 0.00089% of alleles in individuals of European (Non-Finnish) descent in gnomAD. At this time, the clinical significance of this variant is uncertain due to the absence of conclusive functional and genetic evidence.